The following is an entry in ClinVar:

NM_004415.4(DSP):c.4882_4886delinsTTCT (p.Arg1628fs)

Gene: DSP (desmoplakin; plus strand). Cytogenetic location: 6p24.3.
Variant type: Indel.
Coding change: c.4882_4886delinsTTCT on transcript NM_004415.4 (MANE Select); coding-DNA positions 4882 to 4886, AGGAG replaced by TTCT.
Protein change: p.Arg1628fs; shifts the reading frame from arginine 1628.
Molecular consequence: frameshift variant. On other transcripts: intron variant (2).
Genome position (GRCh38, 1-based): chr6:7,581,072-7,581,076, AGGAG replaced by TTCT. VCF-style: chr6-7581072-AGGAG-TTCT. GRCh37 (hg19) VCF-style: chr6-7581305-AGGAG-TTCT.
Other names: c.4882_4886delAGGAGinsTTCT (LRG_423t1); c.4050+832_4050+836delinsTTCT (NM_001319034.2); c.3582+1300_3582+1304delinsTTCT (NM_001008844.3); c.4882_4886delinsTTCT (NM_004415.3); short protein forms R1628fs.
Identifiers: ClinVar variation 452266 (VCV000452266.19), dbSNP rs1554108410, ClinGen allele CA658657575.

ClinVar aggregate classification (germline): Pathogenic/Likely pathogenic. Review status: criteria provided, multiple submitters, no conflicts (2 of 4 stars). 6 submissions from 6 submitters: Pathogenic (3); Likely pathogenic (3). Last evaluated 2025-07-25.

Conditions:
DSP-related disorder. Also called: DSP-related disorders; DSP-related condition.
Cardiovascular phenotype. Identifiers: MedGen CN230736.
Woolly hair-skin fragility syndrome (WHSF). Identifiers: Orphanet 293165, MedGen C1843292, MONDO:0957307, OMIM 620415.
Lethal acantholytic epidermolysis bullosa (EBLA). Identifiers: Orphanet 158687, MedGen C1864826, MONDO:0012323, OMIM 609638.
Keratosis palmoplantaris striata 2. Also called: KERATODERMA, PALMOPLANTAR, STRIATE FORM II; STRIATE PALMOPLANTAR KERATODERMA II; Keratosis palmoplantaris striata II. Identifiers: MedGen C1852127, MONDO:0013034, OMIM 612908.
Arrhythmogenic right ventricular dysplasia 8 (ARVD8). Also called: Arrhythmogenic Right Ventricular Dysplasia/Cardiomyopathy 8; ARRHYTHMOGENIC RIGHT VENTRICULAR DYSPLASIA, FAMILIAL, 8; ARRHYTHMOGENIC RIGHT VENTRICULAR CARDIOMYOPATHY 8. Identifiers: MedGen C1843896, MONDO:0011831, OMIM 607450.
Arrhythmogenic cardiomyopathy with wooly hair and keratoderma. Also called: Arrhythmogenic cardiomyopathy with woolly hair and keratoderma; PALMOPLANTAR KERATODERMA WITH LEFT VENTRICULAR CARDIOMYOPATHY AND WOOLLY HAIR; Carvajal syndrome; Dilated cardiomyopathy with woolly hair and keratoderma. Identifiers: Orphanet 65282, MedGen C1854063, MONDO:0011581, OMIM 605676.
Cardiomyopathy, dilated, with wooly hair, keratoderma, and tooth agenesis. Also called: Cardiomyopathy, dilated, with woolly hair, keratoderma, and tooth agenesis; Erythrokeratodermia-cardiomyopathy syndrome. Identifiers: Orphanet 476096, Orphanet 65282, MedGen C4014393, MONDO:0014355, OMIM 615821.
Arrhythmogenic right ventricular cardiomyopathy (ARVD). Also called: Arrhythmogenic cardiomyopathy; Cardiomyopathy, ARVC; Arrhythmogenic right ventricular dysplasia; Arrhythmogenic Right Ventricular Cardiomyopathy (ARVC). Identifiers: Orphanet 247, MedGen C0349788, MeSH D019571, MONDO:0016587. Disease mechanism: loss of function. Inheritance: Various modes of inheritance.

Submissions (6):

PreventionGenetics, part of Exact Sciences
Classification: Pathogenic for DSP-related condition. Last evaluated: 2025-07-25. Review status: criteria provided, single submitter. Criteria: ACMG Guidelines, 2015. Collection method: clinical testing. Allele origin: germline.
Comment: The DSP c.4882_4886delinsTTCT variant is predicted to result in a frameshift and premature protein termination (p.Arg1628Phefs*17). This variant has been reported to be causative for desmoplakin cardiomyopathy (see for example: Table S1, Wang et al. 2022. PubMed ID: 34352074). This variant has not been reported in a large population database (gnomAD), indicating this variant is rare. Frameshift variants in DSP are expected to be pathogenic. This variant is interpreted as pathogenic.

GeneDx
Classification: Likely pathogenic. Last evaluated: 2025-01-07. Review status: criteria provided, single submitter. Criteria: GeneDx Variant Classification Process June 2021. Collection method: clinical testing. Allele origin: germline. Affected: yes.
Comment: Has been reported in an individual identified as part of the eMERGE study (PMID: 31447099); Frameshift variant predicted to result in protein truncation or nonsense mediated decay in a gene for which loss-of-function is a known mechanism of disease; Not observed at significant frequency in large population cohorts (gnomAD); This variant is associated with the following publications: (PMID: 33684294, 34352074, 31447099)

All of Us Research Program, National Institutes of Health
Classification: Pathogenic for Arrhythmogenic cardiomyopathy with wooly hair and keratoderma. Last evaluated: 2023-07-19. Review status: criteria provided, single submitter. Criteria: ACMG Guidelines, 2015. Collection method: clinical testing. Allele origin: germline. Inheritance: Autosomal dominant inheritance. Observed: 1 variant allele, 1 heterozygote.
Comment: This variant deletes 9 nucleotides in exon 23 of the DSP gene, creating a frameshift and premature translation stop signal. This variant is expected to result in an absent or non-functional protein product. To our knowledge, this variant has not been reported in individuals affected with DSP-related disorders in the literature. This variant has not been identified in the general population by the Genome Aggregation Database (gnomAD). Loss of DSP function is a known mechanism of disease. Based on the available evidence, this variant is classified as Pathogenic.

This study involves interpretation of variants in research participants for the purpose of population health screening. Participant phenotype was not available at the time of variant classification. Additional details can be found in publication PMID: 35346344, PMCID: PMC8962531

Fulgent Genetics
Classification: Likely pathogenic for Arrhythmogenic cardiomyopathy with wooly hair and keratoderma; Arrhythmogenic right ventricular dysplasia 8; Lethal acantholytic epidermolysis bullosa; Keratosis palmoplantaris striata 2; Cardiomyopathy, dilated, with wooly hair, keratoderma, and tooth agenesis. Last evaluated: 2021-10-26. Review status: criteria provided, single submitter. Criteria: ACMG Guidelines, 2015. Collection method: clinical testing. Allele origin: unknown.

Ambry Genetics
Classification: Pathogenic for Cardiovascular phenotype. Last evaluated: 2021-08-06. Review status: criteria provided, single submitter. Criteria: Ambry Variant Classification Scheme 2023. Collection method: clinical testing. Allele origin: germline.
Comment: The c.4882_4886delAGGAGinsTTCT pathogenic mutation, located in coding exon 23 of the DSP gene, results from the deletion of 5 nucleotides and insertion of 4 nucleotides causing a translational frameshift with a predicted alternate stop codon (p.R1628Ffs*17). Alterations in DSP that result in haploinsufficiency or protein truncation have been reported in patients with arrhythmogenic right ventricular cardiomyopathy (ARVC) and dilated cardiomyopathy (DCM) (Fressart V et al. Europace. 2010;12(6):861-8; Elliott P et al. Circ Cardiovasc Genet. 2010;3(4):314-22; Quarta G et al. Circulation. 2011;123(23):2701-9; Garcia-Pavia P et al. Heart. 2011;97(21):1744-52; Rasmussen TB et al. Clin Genet. 2013;84(1):20-30; Pugh TJ et al. Genet Med. 2014;16(8):601-8). This alteration is expected to result in loss of function by premature protein truncation or nonsense-mediated mRNA decay. As such, this alteration is interpreted as a disease-causing mutation.

Laboratory for Molecular Medicine, Mass General Brigham Personalized Medicine
Classification: Likely pathogenic for Arrhythmogenic right ventricular cardiomyopathy. Last evaluated: 2018-07-18. Review status: criteria provided, single submitter. Criteria: LMM Criteria. Collection method: clinical testing. Allele origin: germline. Inheritance: Autosomal dominant inheritance. Observed: 1 variant allele.
Comment: The p.Arg1628fs variant in DSP has not been previously reported in individuals w ith arrhythmogenic right ventricular cardiomyopathy (ARVC) and was absent from l arge population studies, though the ability of these studies to accurately detec t indels may be limited. This variant has been reported in ClinVar (Variation ID : 452266). This variant is located within exon 23 of DSP which undergoes alterna tive splicing resulting in two isoforms: one with a shorter and one with a longe r form of this exon. This variant is only located in the coding region of the lo nger isoform. In that transcript, this variant is predicted to cause a frameshif t, which alters the protein?s amino acid sequence beginning at position 1628 and leads to a premature termination codon 17 amino acids downstream. This alterati on is then predicted to lead to a truncated or absent protein. Loss-of-function variants in the longer form of exon 23 have been observed in individuals with AR VC and/or DCM, suggesting that loss-of-function variants in this region are like ly to be disease causing (LMM data). In summary, although additional studies are required to fully establish its clinical significance, the p.Arg1628fs variant is likely pathogenic. ACMG/AMP criteria applied: PVS1, PM2.

Literature cited by the submitters: PubMed 33684294 (cited by Ambry Genetics).